The following is an entry in ClinVar:

ClinVar aggregate classification (germline): Benign. Review status: criteria provided, single submitter (1 of 4 stars). 2 submissions from 2 submitters: Benign (1). 1 of the submissions does not count toward it. Last evaluated 2025-07-11.

Conditions:
DUSP6-related disorder. Also called: DUSP6-related condition.

Allele frequency attached by ClinVar (database versions not stated): gnomAD exomes 0.00008 and 0.00025; 1000 Genomes Project 30x 0.00031; ExAC 0.00032; 1000 Genomes Project 0.00040; gnomAD 0.00107 and 0.00116; TOPMed 0.00108; ESP Exome Variant Server 0.00146.

Submissions (2):

Labcorp Genetics (formerly Invitae), Labcorp
Classification: Benign. Last evaluated: 2025-07-11. Review status: criteria provided, single submitter. Criteria: Invitae Variant Classification Sherloc (09022015). Collection method: clinical testing. Allele origin: germline.

PreventionGenetics, part of Exact Sciences
Classification: Likely benign for DUSP6-related condition. Last evaluated: 2019-05-03. Review status: no assertion criteria provided. Collection method: clinical testing. Allele origin: germline. Not counted in ClinVar's aggregate classification.
Comment: This variant is classified as likely benign based on ACMG/AMP sequence variant interpretation guidelines (Richards et al. 2015 PMID: 25741868, with internal and published modifications).

NM_001946.4(DUSP6):c.957C>T (p.Ala319=)

Genes: DUSP6 (dual specificity phosphatase 6; minus strand), POC1B-DUSP6 (POC1B-DUSP6 readthrough; minus strand). Cytogenetic location: 12q21.33.
Variant type: single nucleotide variant.
Coding change: c.957C>T on transcript NM_001946.4 (MANE Select); coding-DNA position 957, C replaced by T.
Protein change: p.Ala319=; no amino-acid change (alanine 319 retained).
Molecular consequence: synonymous variant.
Genome position (GRCh38, 1-based): chr12:89,349,443, G>A on the plus strand (C>T on the coding strand, the complement: DUSP6 is on the minus strand). VCF-style: chr12-89349443-G-A. GRCh37 (hg19) VCF-style: chr12-89743220-G-A.
Other names: c.519C>T, p.Ala173= (NM_022652.4).
Identifiers: ClinVar variation 735328 (VCV000735328.11), dbSNP rs148295375, ClinGen allele CA6713930.